The following is an entry in ClinVar:

NM_020832.3(ZNF687):c.3419G>A (p.Cys1140Tyr)

Gene: ZNF687 (zinc finger protein 687; plus strand). Cytogenetic location: 1q21.3.
Variant type: single nucleotide variant.
Coding change: c.3419G>A on transcript NM_020832.3 (MANE Select); coding-DNA position 3419, G replaced by A.
Protein change: p.Cys1140Tyr; replaces cysteine 1140 with tyrosine.
Molecular consequence: missense variant.
Genome position (GRCh38, 1-based): chr1:151,290,914, G>A. VCF-style: chr1-151290914-G-A. GRCh37 (hg19) VCF-style: chr1-151263390-G-A.
Other names: c.3419G>A, p.Cys1140Tyr (NM_001304763.2, NM_001304764.2); short protein forms C1140Y.
Identifiers: ClinVar variation 4771894 (VCV004771894.1).

ClinVar aggregate classification (germline): Uncertain significance (1 of 4 stars; one submission).

Submission:

Labcorp Genetics (formerly Invitae), Labcorp
Classification: Uncertain significance. Last evaluated: 2025-06-04. Review status: criteria provided, single submitter. Criteria: Invitae Variant Classification Sherloc (09022015). Collection method: clinical testing. Allele origin: germline.
Comment: This sequence change replaces cysteine, which is neutral and slightly polar, with tyrosine, which is neutral and polar, at codon 1140 of the ZNF687 protein (p.Cys1140Tyr). This variant is not present in population databases (gnomAD no frequency). This variant has not been reported in the literature in individuals affected with ZNF687-related conditions. An algorithm developed to predict the effect of missense changes on protein structure and function (PolyPhen-2) suggests that this variant is likely to be disruptive. In summary, the available evidence is currently insufficient to determine the role of this variant in disease. Therefore, it has been classified as a Variant of Uncertain Significance.